The following is an entry in ClinVar:

NM_017637.6(BNC2):c.2406C>T (p.Ala802=)

Genes: BNC2 (basonuclin zinc finger protein 2; minus strand), LOC126860585 (MED14-independent group 3 enhancer GRCh37_chr9:16435259-16436458; plus strand). Cytogenetic location: 9p22.3.
Variant type: single nucleotide variant.
Coding change: c.2406C>T on transcript NM_017637.6 (MANE Select); coding-DNA position 2406, C replaced by T.
Protein change: p.Ala802=; no amino-acid change (alanine 802 retained).
Molecular consequence: synonymous variant.
Genome position (GRCh38, 1-based): chr9:16,435,788, G>A on the plus strand (C>T on the coding strand, the complement: BNC2 is on the minus strand). VCF-style: chr9-16435788-G-A. GRCh37 (hg19) VCF-style: chr9-16435786-G-A.
Other names: c.2280C>T, p.Ala760= (NM_001317939.2); c.2121C>T, p.Ala707= (NM_001317940.2).
Identifiers: ClinVar variation 4691467 (VCV004691467.2).

ClinVar aggregate classification (germline): Likely benign. Review status: criteria provided, multiple submitters, no conflicts (2 of 4 stars). 2 submissions from 2 submitters: Likely benign (2). Last evaluated 2025-09-15.

Conditions:
BNC2-related disorder. Also called: BNC2-related condition.

gnomAD v4.1: 32 of 1,613,996 alleles (0.002%); highest among the groups gnomAD compares: East Asian, 0.031%; no homozygotes.

Submissions (2):

Labcorp Genetics (formerly Invitae), Labcorp
Classification: Likely benign. Last evaluated: 2025-09-15. Review status: criteria provided, single submitter. Criteria: Invitae Variant Classification Sherloc (09022015). Collection method: clinical testing. Allele origin: germline.

PreventionGenetics, part of Exact Sciences
Classification: Likely benign for BNC2-related condition. Last evaluated: 2025-02-07. Review status: criteria provided, single submitter. Criteria: ACMG Guidelines, 2015. Collection method: clinical testing. Allele origin: germline.
Comment: This variant is classified as likely benign based on ACMG/AMP sequence variant interpretation guidelines (Richards et al. 2015 PMID: 25741868, with internal and published modifications).